The following is an entry in ClinVar:

ClinVar aggregate classification (germline): Uncertain significance (1 of 4 stars; one submission).

Allele frequency attached by ClinVar (database versions not stated): gnomAD exomes below 0.00001; TOPMed 0.00001.
gnomAD v4.1: 1 of 1,585,418 alleles (0.000063%); highest among the groups gnomAD compares: African/African-American, 0.0014%; no homozygotes.

Submission:

Labcorp Genetics (formerly Invitae), Labcorp
Classification: Uncertain significance. Last evaluated: 2021-01-15. Review status: criteria provided, single submitter. Criteria: Invitae Variant Classification Sherloc (09022015). Collection method: clinical testing. Allele origin: germline.
Comment: This sequence change replaces glutamine with histidine at codon 107 of the CEP78 protein (p.Gln107His). The glutamine residue is moderately conserved and there is a small physicochemical difference between glutamine and histidine. This variant is not present in population databases (ExAC no frequency). This variant has not been reported in the literature in individuals with CEP78-related conditions. Algorithms developed to predict the effect of missense changes on protein structure and function are either unavailable or do not agree on the potential impact of this missense change (SIFT: "Tolerated"; PolyPhen-2: "Probably Damaging"; Align-GVGD: "Class C0"). In summary, the available evidence is currently insufficient to determine the role of this variant in disease. Therefore, it has been classified as a Variant of Uncertain Significance.

NM_001330691.3(CEP78):c.321G>C (p.Gln107His)

Gene: CEP78 (centrosomal protein 78; plus strand). Cytogenetic location: 9q21.2.
Variant type: single nucleotide variant.
Coding change: c.321G>C on transcript NM_001330691.3 (MANE Select); coding-DNA position 321, G replaced by C.
Protein change: p.Gln107His; replaces glutamine 107 with histidine.
Molecular consequence: missense variant.
Genome position (GRCh38, 1-based): chr9:78,240,090, G>C. VCF-style: chr9-78240090-G-C. GRCh37 (hg19) VCF-style: chr9-80855006-G-C.
Other names: c.321G>C, p.Gln107His (NM_001098802.3, NM_001330693.3, NM_001330694.2 and 4 more transcripts); short protein forms Q107H.
Identifiers: ClinVar variation 960586 (VCV000960586.9), dbSNP rs1826151764, ClinGen allele CA373999732.